The following is an entry in ClinVar:

ClinVar aggregate classification (germline): Likely benign. Review status: criteria provided, multiple submitters, no conflicts (2 of 4 stars). 3 submissions from 3 submitters: Likely benign (2). 1 of the submissions does not count toward it. Last evaluated 2025-12-27.

Conditions:
DNAH8-related disorder. Also called: DNAH8-related condition.
Primary ciliary dyskinesia. Also called: Ciliary dyskinesia. Identifiers: Orphanet 244, MedGen C0008780, MONDO:0016575, HP:0012265.

Allele frequency attached by ClinVar (database versions not stated): 1000 Genomes Project 30x 0.00031; 1000 Genomes Project 0.00040; gnomAD 0.00063 and 0.00065; TOPMed 0.00069; ESP Exome Variant Server 0.00085; ExAC 0.00086; gnomAD exomes 0.00089 and 0.00098.
gnomAD v4.1: 1,526 of 1,614,082 alleles (0.095%); highest among the groups gnomAD compares: Middle Eastern, 0.35%; 3 homozygotes.

Submissions (3):

Labcorp Genetics (formerly Invitae), Labcorp
Classification: Likely benign for Primary ciliary dyskinesia. Last evaluated: 2025-12-27. Review status: criteria provided, single submitter. Criteria: Invitae Variant Classification Sherloc (09022015). Collection method: clinical testing. Allele origin: germline.

Breakthrough Genomics
Classification: Likely benign. Review status: criteria provided, single submitter. Criteria: ACMG Guidelines, 2015. Collection method: not provided. Allele origin: germline. Inheritance: Autosomal recessive inheritance. Affected: yes.

PreventionGenetics, part of Exact Sciences
Classification: Likely benign for DNAH8-related condition. Last evaluated: 2023-08-30. Review status: no assertion criteria provided. Collection method: clinical testing. Allele origin: germline. Not counted in ClinVar's aggregate classification.
Comment: This variant is classified as likely benign based on ACMG/AMP sequence variant interpretation guidelines (Richards et al. 2015 PMID: 25741868, with internal and published modifications).

NM_001206927.2(DNAH8):c.9673C>A (p.Gln3225Lys)

Genes: DNAH8 (dynein axonemal heavy chain 8; plus strand), DNAH8-AS1 (DNAH8 antisense RNA 1; minus strand). Cytogenetic location: 6p21.2.
Variant type: single nucleotide variant.
Coding change: c.9673C>A on transcript NM_001206927.2 (MANE Select); coding-DNA position 9673, C replaced by A.
Protein change: p.Gln3225Lys; replaces glutamine 3225 with lysine.
Molecular consequence: missense variant.
Genome position (GRCh38, 1-based): chr6:38,909,677, C>A. VCF-style: chr6-38909677-C-A. GRCh37 (hg19) VCF-style: chr6-38877453-C-A.
Other names: c.9022C>A, p.Gln3008Lys (NM_001371.4); short protein forms Q3225K, Q3008K.
Identifiers: ClinVar variation 454610 (VCV000454610.15), dbSNP rs138703233, ClinGen allele CA3790523.